The following is an entry in ClinVar:

NM_001366722.1(GRIP1):c.672_675del (p.Lys224fs)

Gene: GRIP1 (glutamate receptor interacting protein 1; minus strand). Cytogenetic location: 12q14.3.
Variant type: Deletion.
Coding change: c.672_675del on transcript NM_001366722.1 (MANE Select); coding-DNA positions 672 to 675, 4 bases deleted (ACAA; older notation c.672_675delACAA).
Protein change: p.Lys224fs; shifts the reading frame from lysine 224.
Molecular consequence: frameshift variant.
Genome position (GRCh38, 1-based): chr12:66,515,668-66,515,671, TTGT deleted on the plus strand (ACAA on the coding strand, the reverse complement: GRIP1 is on the minus strand); deleting any 4 consecutive bases within chr12:66,515,668-66,515,673 gives the same sequence; the c. name uses the placement nearest the transcript's 3' end. VCF-style (leftmost placement, unchanged base first): chr12-66515667-ATTGT-A. GRCh37 (hg19) VCF-style: chr12-66909447-ATTGT-A.
Other names: c.672_675del, p.Lys224fs (NM_001178074.2, NM_001379346.1, NM_021150.4); c.750_753del, p.Lys250fs (NM_001366723.1, NM_001366724.1, NM_001379345.1 and 2 more transcripts); c.675_678del, p.Lys225fs (NM_001379349.1, NM_001379351.1); short protein forms K224fs, K225fs, K250fs.
Identifiers: ClinVar variation 3717575 (VCV003717575.2).

ClinVar aggregate classification (germline): Pathogenic (1 of 4 stars; one submission).

Submission:

Labcorp Genetics (formerly Invitae), Labcorp
Classification: Pathogenic. Last evaluated: 2025-06-12. Review status: criteria provided, single submitter. Criteria: Invitae Variant Classification Sherloc (09022015). Collection method: clinical testing. Allele origin: germline.
Comment: This sequence change creates a premature translational stop signal (p.Lys224Asnfs*9) in the GRIP1 gene. It is expected to result in an absent or disrupted protein product. Loss-of-function variants in GRIP1 are known to be pathogenic (PMID: 22510445, 24357607). This variant is not present in population databases (gnomAD no frequency). This variant has not been reported in the literature in individuals affected with GRIP1-related conditions. ClinVar contains an entry for this variant (Variation ID: 3717575). For these reasons, this variant has been classified as Pathogenic.

Literature cited by the submitters: PubMed 22510445; PubMed 24357607.